The following is an entry in ClinVar:

NM_000179.3(MSH6):c.1584A>G (p.Glu528=)

Gene: MSH6 (mutS homolog 6; plus strand). Cytogenetic location: 2p16.3.
Variant type: single nucleotide variant.
Coding change: c.1584A>G on transcript NM_000179.3 (MANE Select); coding-DNA position 1584, A replaced by G.
Protein change: p.Glu528=; no amino-acid change (glutamic acid 528 retained).
Molecular consequence: synonymous variant.
Genome position (GRCh38, 1-based): chr2:47,799,567, A>G. VCF-style: chr2-47799567-A-G. GRCh37 (hg19) VCF-style: chr2-48026706-A-G.
Other names: c.1194A>G, p.Glu398= (NM_001281492.2); c.678A>G, p.Glu226= (NM_001281493.2, NM_001281494.2).
Identifiers: ClinVar variation 479916 (VCV000479916.18), dbSNP rs763342825, ClinGen allele CA067870.

ClinVar aggregate classification (germline): Benign/Likely benign. Review status: criteria provided, multiple submitters, no conflicts (2 of 4 stars). 4 submissions from 4 submitters: Benign (1); Likely benign (3). Last evaluated 2024-12-27.

Conditions:
Hereditary nonpolyposis colorectal neoplasms. Identifiers: MedGen C0009405, MeSH D003123.
Lynch syndrome 5 (LYNCH5). Also called: Colorectal cancer, hereditary nonpolyposis, type 5; Hereditary non-polyposis colorectal cancer, type 5. Identifiers: Orphanet 144, MedGen C1833477, MONDO:0013710, OMIM 614350. Disease mechanism: loss of function.
Hereditary cancer-predisposing syndrome. Also called: Hereditary Cancer Syndrome; Neoplastic Syndromes, Hereditary; Tumor predisposition; Hereditary neoplastic syndrome. Identifiers: Orphanet 140162, MedGen C0027672, MeSH D009386, MONDO:0015356.

Allele frequency attached by ClinVar (database versions not stated): gnomAD exomes below 0.00001; TOPMed below 0.00001; ExAC 0.00001.

Submissions (4):

Myriad Genetics, Inc.
Classification: Benign for Lynch syndrome 5. Last evaluated: 2024-12-27. Review status: criteria provided, single submitter. Criteria: Myriad Autosomal Dominant, Autosomal Recessive and X-Linked Classification Criteria (2023). Collection method: clinical testing. Allele origin: unknown.
Comment: This variant is considered benign. This variant is a silent/synonymous amino acid change and it is not expected to impact splicing.

Labcorp Genetics (formerly Invitae), Labcorp
Classification: Likely benign for Hereditary nonpolyposis colorectal neoplasms. Last evaluated: 2022-11-11. Review status: criteria provided, single submitter. Criteria: Invitae Variant Classification Sherloc (09022015). Collection method: clinical testing. Allele origin: germline.

Color Diagnostics, LLC DBA Color Health
Classification: Likely benign for Hereditary cancer-predisposing syndrome. Last evaluated: 2021-10-04. Review status: criteria provided, single submitter. Criteria: ACMG Guidelines, 2015. Collection method: clinical testing. Allele origin: germline.

Ambry Genetics
Classification: Likely benign for Hereditary cancer-predisposing syndrome. Last evaluated: 2016-08-11. Review status: criteria provided, single submitter. Criteria: Ambry Variant Classification Scheme 2023. Collection method: clinical testing. Allele origin: germline.